The following is an entry in ClinVar:

NM_001031679.3(MSRB3):c.356A>G (p.Tyr119Cys)

Gene: MSRB3 (methionine sulfoxide reductase B3; plus strand). Cytogenetic location: 12q14.3.
Variant type: single nucleotide variant.
Coding change: c.356A>G on transcript NM_001031679.3 (MANE Select); coding-DNA position 356, A replaced by G.
Protein change: p.Tyr119Cys; replaces tyrosine 119 with cysteine.
Molecular consequence: missense variant.
Genome position (GRCh38, 1-based): chr12:65,453,791, A>G. VCF-style: chr12-65453791-A-G. GRCh37 (hg19) VCF-style: chr12-65847571-A-G.
Other names: c.356A>G, p.Tyr119Cys (NM_001193460.2, NM_001193461.2); c.377A>G, p.Tyr126Cys (NM_198080.4); short protein forms Y119C, Y126C.
Identifiers: ClinVar variation 4084034 (VCV004084034.8).
Genomic context (GRCh38, chr12:65,453,791, plus strand): 5'-GGCCTTCATTCCACGATGTGATCAATTCTGAGGCAATCACATTCACAGATGACTTTTCCT[A>G]TGGGATGCACAGGGTGGAAACAAGCTGCTCTCAGGTGAGTTCATCCTTTCTGAAAACCCA-3'
Protein context (NP_001026849.1, residues 109-129): EAITFTDDFS[Tyr119Cys]GMHRVETSCS

ClinVar aggregate classification (germline): Uncertain significance (1 of 4 stars; one submission).

gnomAD v4.1: 54 of 1,613,882 alleles (0.0033%); highest among the groups gnomAD compares: Middle Eastern, 0.033%; no homozygotes.

Submission:

CeGaT Center for Human Genetics Tuebingen
Classification: Uncertain significance. Last evaluated: 2025-06-01. Review status: criteria provided, single submitter. Criteria: CeGaT Center For Human Genetics Tuebingen Variant Classification Criteria Version 2. Collection method: clinical testing. Allele origin: germline. Affected: yes. Observed: 1 variant allele.
Comment: MSRB3: PM2